The following is an entry in ClinVar:

NM_153240.5(NPHP3):c.3040A>T (p.Ile1014Phe)

Genes: NPHP3-ACAD11 (NPHP3-ACAD11 readthrough (NMD candidate); minus strand), NPHP3 (nephrocystin 3; minus strand). Cytogenetic location: 3q22.1.
Variant type: single nucleotide variant.
Coding change: c.3040A>T on transcript NM_153240.5 (MANE Select); coding-DNA position 3040, A replaced by T.
Protein change: p.Ile1014Phe; replaces isoleucine 1014 with phenylalanine.
Molecular consequence: missense variant. On other transcripts: non-coding transcript variant (1).
Genome position (GRCh38, 1-based): chr3:132,688,735, T>A on the plus strand (A>T on the coding strand, the complement: NPHP3 is on the minus strand). VCF-style: chr3-132688735-T-A. GRCh37 (hg19) VCF-style: chr3-132407579-T-A.
Other names: short protein forms I1014F.
Identifiers: ClinVar variation 1425416 (VCV001425416.6), dbSNP rs1939224766, ClinGen allele CA354579909.

ClinVar aggregate classification (germline): Uncertain significance (1 of 4 stars; one submission).

Conditions:
Nephronophthisis. Also called: Juvenile Nephronophthisis. Identifiers: Orphanet 655, MedGen C0687120, MONDO:0019005, HP:0000090.

Allele frequency attached by ClinVar (database versions not stated): gnomAD exomes below 0.00001.
gnomAD v4.1: 2 of 1,614,140 alleles (0.00012%); highest among the groups gnomAD compares: Non-Finnish European, 0.00017%; no homozygotes.

Submission:

Labcorp Genetics (formerly Invitae), Labcorp
Classification: Uncertain significance for Nephronophthisis. Last evaluated: 2022-08-09. Review status: criteria provided, single submitter. Criteria: Invitae Variant Classification Sherloc (09022015). Collection method: clinical testing. Allele origin: germline.
Comment: This sequence change replaces isoleucine, which is neutral and non-polar, with phenylalanine, which is neutral and non-polar, at codon 1014 of the NPHP3 protein (p.Ile1014Phe). This variant is not present in population databases (gnomAD no frequency). This variant has not been reported in the literature in individuals affected with NPHP3-related conditions. ClinVar contains an entry for this variant (Variation ID: 1425416). Algorithms developed to predict the effect of missense changes on protein structure and function are either unavailable or do not agree on the potential impact of this missense change (SIFT: "Deleterious"; PolyPhen-2: "Probably Damaging"; Align-GVGD: "Class C0"). In summary, the available evidence is currently insufficient to determine the role of this variant in disease. Therefore, it has been classified as a Variant of Uncertain Significance.